The following is an entry in ClinVar:

ClinVar aggregate classification (germline): Likely pathogenic (1 of 4 stars; one submission).

Conditions:
Nemaline myopathy 2 (NEM2). Also called: Nemaline myopathy 2, autosomal recessive. Identifiers: MedGen C1850569, MONDO:0009725, OMIM 256030.

Submission:

Labcorp Genetics (formerly Invitae), Labcorp
Classification: Likely pathogenic for Nemaline myopathy 2. Last evaluated: 2018-03-06. Review status: criteria provided, single submitter. Criteria: Invitae Variant Classification Sherloc (09022015). Collection method: clinical testing. Allele origin: germline.
Comment: In summary, the currently available evidence indicates that the variant is pathogenic, but additional data are needed to prove that conclusively. Therefore, this variant has been classified as Likely Pathogenic. Donor and acceptor splice site variants typically lead to a loss of protein function (PMID: 16199547), and loss-of-function variants in NEB are known to be pathogenic (PMID: 25205138). Algorithms developed to predict the effect of sequence changes on RNA splicing suggest that this variant may disrupt the consensus splice site, but this prediction has not been confirmed by published transcriptional studies. This variant has not been reported in the literature in individuals with NEB-related disease. This variant is not present in population databases (ExAC no frequency). This sequence change affects donor splice site in intron 115 of the NEB gene. It is expected to disrupt RNA splicing and likely results in an absent or disrupted protein product.

Literature cited by the submitters: PubMed 16199547; PubMed 25205138.

NM_001164508.2(NEB):c.18261+1G>T

Gene: NEB (nebulin; minus strand). Cytogenetic location: 2q23.3.
Variant type: single nucleotide variant.
Coding change: c.18261+1G>T on transcript NM_001164508.2 (MANE Select); the canonical splice donor site of the intron after coding-DNA position 18261, G replaced by T.
Molecular consequence: splice donor variant.
Genome position (GRCh38, 1-based): chr2:151,565,715, C>A on the plus strand (G>T on the coding strand, the complement: NEB is on the minus strand). VCF-style: chr2-151565715-C-A. GRCh37 (hg19) VCF-style: chr2-152422229-C-A.
Other names: c.13158+1G>T (NM_004543.5); c.18261+1G>T (NM_001164507.2, NM_001271208.2).
Identifiers: ClinVar variation 567515 (VCV000567515.7), dbSNP rs112544116, ClinGen allele CA348802024.